The following is an entry in ClinVar:

ClinVar aggregate classification (germline): Benign. Review status: criteria provided, single submitter (1 of 4 stars). 2 submissions from 2 submitters: Benign (1). 1 of the submissions does not count toward it. Last evaluated 2024-05-13.

Conditions:
GFI1B-related disorder. Also called: GFI1B-related condition.

Allele frequency attached by ClinVar (database versions not stated): 1000 Genomes Project 0.01178; gnomAD 0.00193; ExAC 0.00594; TOPMed 0.00050; ESP Exome Variant Server 0.00015; 1000 Genomes Project 30x 0.01046.
gnomAD v4.1: 3,975 of 1,613,980 alleles (0.25%); highest among the groups gnomAD compares: South Asian, 4.1%; 104 homozygotes.

Submissions (2):

Mayo Clinic Laboratories, Mayo Clinic
Classification: Benign. Last evaluated: 2024-05-13. Review status: criteria provided, single submitter. Criteria: ACMG Guidelines, 2015. Collection method: clinical testing. Allele origin: germline. Observed: 3 variant alleles.
Comment: BS1, BS2, BP4

PreventionGenetics, part of Exact Sciences
Classification: Likely benign for GFI1B-related condition. Last evaluated: 2019-12-30. Review status: no assertion criteria provided. Collection method: clinical testing. Allele origin: germline. Not counted in ClinVar's aggregate classification.
Comment: This variant is classified as likely benign based on ACMG/AMP sequence variant interpretation guidelines (Richards et al. 2015 PMID: 25741868, with internal and published modifications).

NM_001377304.1(GFI1B):c.289G>A (p.Asp97Asn)

Gene: GFI1B (growth factor independent 1B transcriptional repressor; plus strand). Cytogenetic location: 9q34.13.
Variant type: single nucleotide variant.
Coding change: c.289G>A on transcript NM_001377304.1 (MANE Select); coding-DNA position 289, G replaced by A.
Protein change: p.Asp97Asn; replaces aspartic acid 97 with asparagine.
Molecular consequence: missense variant.
Genome position (GRCh38, 1-based): chr9:132,988,247, G>A. VCF-style: chr9-132988247-G-A. GRCh37 (hg19) VCF-style: chr9-135863634-G-A.
Other names: p.Asp97Asn; c.289G>A (NM_004188.7); c.289G>A, p.Asp97Asn (NM_001135031.2, NM_001371908.1, NM_001377305.1 and 1 more transcripts); short protein forms D97N.
Identifiers: ClinVar variation 3037398 (VCV003037398.3), dbSNP rs145562579, ClinGen allele CA5301903.
Genomic context (GRCh38, chr9:132,988,247, plus strand): 5'-ATCTCCACAGAGGGCCCCATTGTGCTGTCCCGACCCCAGGATGGGGACTCTCCACTGTCC[G>A]ACTCACCCCCATTCTACAAGCCTAGCTTCTCCTGGGACACCTTGGCCACAACCTATGGCC-3'
Protein context (NP_001364233.1, residues 87-107): RPQDGDSPLS[Asp97Asn]SPPFYKPSFS